The following is an entry in ClinVar:

ClinVar aggregate classification (germline): Uncertain significance (1 of 4 stars; one submission).

gnomAD v4.1: 3 of 1,609,938 alleles (0.00019%); highest among the groups gnomAD compares: Admixed American, 0.0017%; no homozygotes.

Submission:

Dasa
Classification: Uncertain significance. Last evaluated: 2025-11-19. Review status: criteria provided, single submitter. Criteria: DASA Assertion Criteria. Collection method: clinical testing. Allele origin: germline.
Comment: NM_004933.3(CDH15):c.251G>C (p.Gly84Ala) is a missense variant that results in the substitution of glycine with alanine. This variant is rare in population databases. Computational prediction algorithms are consistent with a deleterious effect. The currently available literature and clinical evidence are not sufficient to establish a definitive association between this variant and the reported condition. Therefore, this variant is classified as a variant of uncertain significance.

NM_004933.3(CDH15):c.251G>C (p.Gly84Ala)

Gene: CDH15 (cadherin 15; plus strand). Cytogenetic location: 16q24.3.
Variant type: single nucleotide variant.
Coding change: c.251G>C on transcript NM_004933.3 (MANE Select); coding-DNA position 251, G replaced by C.
Protein change: p.Gly84Ala; replaces glycine 84 with alanine.
Molecular consequence: missense variant.
Genome position (GRCh38, 1-based): chr16:89,180,249, G>C. VCF-style: chr16-89180249-G-C. GRCh37 (hg19) VCF-style: chr16-89246657-G-C.
Other names: short protein forms G84A.
Identifiers: ClinVar variation 5020792 (VCV005020792.1).